The following is an entry in ClinVar:

NM_001007792.1(NTRK1):c.72C>G (p.Thr24=)

Genes: INSRR (insulin receptor related receptor; minus strand), NTRK1 (neurotrophic receptor tyrosine kinase 1; plus strand). Cytogenetic location: 1q23.1.
Variant type: single nucleotide variant.
Coding change: c.72C>G on transcript NM_001007792.1; coding-DNA position 72, C replaced by G.
Protein change: p.Thr24=; no amino-acid change (threonine 24 retained).
Molecular consequence: synonymous variant. On other transcripts: missense variant (1).
Genome position (GRCh38, 1-based): chr1:156,842,143, C>G. VCF-style: chr1-156842143-C-G. GRCh37 (hg19) VCF-style: chr1-156811935-C-G.
Other names: c.3366G>C, p.Met1122Ile (NM_014215.3); short protein forms M1122I.
Identifiers: ClinVar variation 1310344 (VCV001310344.4), dbSNP rs1206609592, ClinGen allele CA342898768.
Genomic context (GRCh38, chr1:156,842,143, plus strand): 5'-CGCCCTCATCTGCCTGGCACCCTCTGTACCCCCGATCTTGACGGTGAAGTCCTGGGACAC[C>G]ATGCAGTTGCGGGCTGCTAGATCTCGGTGCACAAACTTGTTGGCAGCAAGGTAGGCCATG-3'

ClinVar aggregate classification (germline): Uncertain significance (1 of 4 stars; one submission).

Allele frequency attached by ClinVar (database versions not stated): gnomAD 0.00001; TOPMed 0.00001.
gnomAD v4.1: 7 of 1,613,938 alleles (0.00043%); highest among the groups gnomAD compares: Non-Finnish European, 0.00059%; no homozygotes.

Submission:

GeneDx
Classification: Uncertain significance. Last evaluated: 2019-11-15. Review status: criteria provided, single submitter. Criteria: GeneDx Variant Classification Process June 2021. Collection method: clinical testing. Allele origin: germline. Affected: yes.
Comment: Not observed at a significant frequency in large population cohorts (Lek et al., 2016); In silico analysis, which includes splice predictors and evolutionary conservation, supports that this variant does not alter protein structure/function; Has not been previously published as pathogenic or benign to our knowledge